The following is an entry in ClinVar:

ClinVar aggregate classification (germline): Uncertain significance (1 of 4 stars; one submission).

Allele frequency attached by ClinVar (database versions not stated): TOPMed below 0.00001.

Submission:

Labcorp Genetics (formerly Invitae), Labcorp
Classification: Uncertain significance. Last evaluated: 2023-11-18. Review status: criteria provided, single submitter. Criteria: Invitae Variant Classification Sherloc (09022015). Collection method: clinical testing. Allele origin: germline.
Comment: This sequence change replaces glutamic acid, which is acidic and polar, with lysine, which is basic and polar, at codon 462 of the CFB protein (p.Glu462Lys). This variant is not present in population databases (gnomAD no frequency). This variant has not been reported in the literature in individuals affected with CFB-related conditions. Advanced modeling of protein sequence and biophysical properties (such as structural, functional, and spatial information, amino acid conservation, physicochemical variation, residue mobility, and thermodynamic stability) performed at Invitae indicates that this missense variant is not expected to disrupt CFB protein function with a negative predictive value of 80%. In summary, the available evidence is currently insufficient to determine the role of this variant in disease. Therefore, it has been classified as a Variant of Uncertain Significance.

NM_001710.6(CFB):c.1384G>A (p.Glu462Lys)

Gene: CFB (complement factor B; plus strand). Cytogenetic location: 6p21.33.
Variant type: single nucleotide variant.
Coding change: c.1384G>A on transcript NM_001710.6 (MANE Select); coding-DNA position 1384, G replaced by A.
Protein change: p.Glu462Lys; replaces glutamic acid 462 with lysine.
Molecular consequence: missense variant.
Genome position (GRCh38, 1-based): chr6:31,949,533, G>A. VCF-style: chr6-31949533-G-A. GRCh37 (hg19) VCF-style: chr6-31917310-G-A.
Other names: short protein forms E462K.
Identifiers: ClinVar variation 2999518 (VCV002999518.3), dbSNP rs1771628017, ClinGen allele CA363404006.
Genomic context (GRCh38, chr6:31,949,533, plus strand): 5'-TTGGCTTCCAAGAAAGACAATGAGCAACATGTGTTCAAAGTCAAGGATATGGAAAACCTG[G>A]AAGATGTTTTCTACCAAATGATCGGTAGGGAGATACAAGGGAATAAAGAACACAACTCTC-3'
Protein context (NP_001701.2, residues 452-472): VFKVKDMENL[Glu462Lys]DVFYQMIDES